The following is an entry in ClinVar:

ClinVar aggregate classification (germline): Uncertain significance (1 of 4 stars; one submission).

Conditions:
Cardiovascular phenotype. Identifiers: MedGen CN230736.

gnomAD v4.1: 1 of 1,612,668 alleles (0.000062%); no homozygotes.

Submission:

Ambry Genetics
Classification: Uncertain significance for Cardiovascular phenotype. Last evaluated: 2026-08-03. Review status: criteria provided, single submitter. Criteria: Ambry Variant Classification Scheme 2023. Collection method: clinical testing. Allele origin: germline.
Comment: The p.R164K variant (also known as c.491G>A), located in coding exon 5 of the TECRL gene, results from a G to A substitution at nucleotide position 491. The arginine at codon 164 is replaced by lysine, an amino acid with highly similar properties. This amino acid position is conserved. In addition, the in silico prediction for this alteration is inconclusive. Based on the available evidence, the clinical significance of this variant remains unclear.

NM_001010874.5(TECRL):c.491G>A (p.Arg164Lys)

Gene: TECRL (trans-2,3-enoyl-CoA reductase like; minus strand). Cytogenetic location: 4q13.1.
Variant type: single nucleotide variant.
Coding change: c.491G>A on transcript NM_001010874.5 (MANE Select); coding-DNA position 491, G replaced by A.
Protein change: p.Arg164Lys; replaces arginine 164 with lysine.
Molecular consequence: missense variant.
Genome position (GRCh38, 1-based): chr4:64,314,708, C>T on the plus strand (G>A on the coding strand, the complement: TECRL is on the minus strand). VCF-style: chr4-64314708-C-T. GRCh37 (hg19) VCF-style: chr4-65180426-C-T.
Other names: c.491G>A, p.Arg164Lys (NM_001363796.1); short protein forms R164K.
Identifiers: ClinVar variation 5030604 (VCV005030604.1).